The following is an entry in ClinVar:

ClinVar aggregate classification (germline): Uncertain significance. Review status: criteria provided, multiple submitters, no conflicts (2 of 4 stars). 2 submissions from 2 submitters: Uncertain significance (2). Last evaluated 2026-01-07.

gnomAD v4.1: 10 of 1,613,272 alleles (0.00062%); highest among the groups gnomAD compares: African/African-American, 0.0053%; no homozygotes.

Submissions (2):

Labcorp Genetics (formerly Invitae), Labcorp
Classification: Uncertain significance. Last evaluated: 2026-01-07. Review status: criteria provided, single submitter. Criteria: Invitae Variant Classification Sherloc (09022015). Collection method: clinical testing. Allele origin: germline.
Comment: This sequence change replaces arginine, which is basic and polar, with histidine, which is basic and polar, at codon 173 of the ARHGEF1 protein (p.Arg173His). This variant is not present in population databases (gnomAD no frequency). This variant has not been reported in the literature in individuals affected with ARHGEF1-related conditions. ClinVar contains an entry for this variant (Variation ID: 2523298). An algorithm developed to predict the effect of missense changes on protein structure and function (PolyPhen-2) suggests that this variant is likely to be disruptive. In summary, the available evidence is currently insufficient to determine the role of this variant in disease. Therefore, it has been classified as a Variant of Uncertain Significance.

Ambry Genetics
Classification: Uncertain significance. Last evaluated: 2023-05-17. Review status: criteria provided, single submitter. Criteria: Ambry Variant Classification Scheme 2023. Collection method: clinical testing. Allele origin: germline.

NM_004706.4(ARHGEF1):c.473G>A (p.Arg158His)

Gene: ARHGEF1 (Rho guanine nucleotide exchange factor 1; plus strand). Cytogenetic location: 19q13.2.
Variant type: single nucleotide variant.
Coding change: c.473G>A on transcript NM_004706.4 (MANE Select); coding-DNA position 473, G replaced by A.
Protein change: p.Arg158His; replaces arginine 158 with histidine.
Molecular consequence: missense variant. On other transcripts: non-coding transcript variant (2).
Genome position (GRCh38, 1-based): chr19:41,892,708, G>A. VCF-style: chr19-41892708-G-A. GRCh37 (hg19) VCF-style: chr19-42396779-G-A.
Other names: c.473G>A, p.Arg158His (NM_001396000.1, NM_001396003.1, NM_001396006.1); c.374G>A, p.Arg125His (NM_001396002.1, NM_001396004.1, NM_198977.2); c.518G>A, p.Arg173His (NM_199002.2); short protein forms R173H, R125H, R158H.
Identifiers: ClinVar variation 2523298 (VCV002523298.3), dbSNP rs1555846517, ClinGen allele CA406048005.
Genomic context (GRCh38, chr19:41,892,708, plus strand): 5'-TCGTGCAGGAGGTGGTGCAAAGCCAGCAGGTAGCCGTGGGCCGGCAGCTGGAGGACTTCC[G>A]TTCCAAGCGGCTCATGGGCATGACGCCCTGGGAGCAGGAGCTGGCCCAGCTGGAGGCTTG-3'
Protein context (NP_004697.2, residues 148-168): VAVGRQLEDF[Arg158His]SKRLMGMTPW